The following is an entry in ClinVar:

ClinVar aggregate classification (germline): Conflicting classifications of pathogenicity. Review status: criteria provided, conflicting classifications (1 of 4 stars). 2 submissions from 2 submitters: Uncertain significance (1); Likely benign (1). Last evaluated 2026-01-08.

Conditions:
Severe combined immunodeficiency due to DNA-PKcs deficiency. Also called: IMMUNODEFICIENCY 26 WITH NEUROLOGIC ABNORMALITIES; Immunodeficiency 26 with or without neurologic abnormalities. Identifiers: Orphanet 317425, MedGen C4014833, MONDO:0014423, OMIM 615966.

Allele frequency attached by ClinVar (database versions not stated): gnomAD exomes 0.00001 and 0.00002; ExAC 0.00002; TOPMed 0.00005; gnomAD 0.00006.
gnomAD v4.1: 20 of 1,613,268 alleles (0.0012%); highest among the groups gnomAD compares: African/African-American, 0.015%; no homozygotes.

Submissions (2):

Labcorp Genetics (formerly Invitae), Labcorp
Classification: Uncertain significance for Severe combined immunodeficiency due to DNA-PKcs deficiency. Last evaluated: 2026-01-08. Review status: criteria provided, single submitter. Criteria: Invitae Variant Classification Sherloc (09022015). Collection method: clinical testing. Allele origin: germline.
Comment: This sequence change replaces alanine, which is neutral and non-polar, with threonine, which is neutral and polar, at codon 3076 of the PRKDC protein (p.Ala3076Thr). This variant is present in population databases (rs771437391, gnomAD 0.02%). This variant has not been reported in the literature in individuals affected with PRKDC-related conditions. ClinVar contains an entry for this variant (Variation ID: 1046351). Invitae Evidence Modeling of protein sequence and biophysical properties (such as structural, functional, and spatial information, amino acid conservation, physicochemical variation, residue mobility, and thermodynamic stability) indicates that this missense variant is not expected to disrupt PRKDC protein function with a negative predictive value of 80%. In summary, the available evidence is currently insufficient to determine the role of this variant in disease. Therefore, it has been classified as a Variant of Uncertain Significance.

Blueprint Genetics
Classification: Likely benign. Last evaluated: 2024-07-29. Review status: criteria provided, single submitter. Criteria: ACMG Guidelines, 2015. Collection method: clinical testing. Allele origin: germline.

NM_006904.7(PRKDC):c.9226G>A (p.Ala3076Thr)

Gene: PRKDC (protein kinase, DNA-activated, catalytic subunit; minus strand). Cytogenetic location: 8q11.21.
Variant type: single nucleotide variant.
Coding change: c.9226G>A on transcript NM_006904.7 (MANE Select); coding-DNA position 9226, G replaced by A.
Protein change: p.Ala3076Thr; replaces alanine 3076 with threonine.
Molecular consequence: missense variant.
Genome position (GRCh38, 1-based): chr8:47,820,829, C>T on the plus strand (G>A on the coding strand, the complement: PRKDC is on the minus strand). VCF-style: chr8-47820829-C-T. GRCh37 (hg19) VCF-style: chr8-48733390-C-T.
Other names: c.9226G>A, p.Ala3076Thr (NM_001081640.2); short protein forms A3076T.
Identifiers: ClinVar variation 1046351 (VCV001046351.5), dbSNP rs771437391, ClinGen allele CA4739639.